The following is an entry in ClinVar:

NM_018089.3(ANKZF1):c.2046C>G (p.Ile682Met)

Gene: ANKZF1 (ankyrin repeat and zinc finger peptidyl tRNA hydrolase 1; plus strand). Cytogenetic location: 2q35.
Variant type: single nucleotide variant.
Coding change: c.2046C>G on transcript NM_018089.3 (MANE Select); coding-DNA position 2046, C replaced by G.
Protein change: p.Ile682Met; replaces isoleucine 682 with methionine.
Molecular consequence: missense variant.
Genome position (GRCh38, 1-based): chr2:219,236,084, C>G. VCF-style: chr2-219236084-C-G. GRCh37 (hg19) VCF-style: chr2-220100806-C-G.
Other names: c.2046C>G, p.Ile682Met (NM_001042410.2); c.1416C>G, p.Ile472Met (NM_001282792.2); short protein forms I472M, I682M.
Identifiers: ClinVar variation 1398069 (VCV001398069.6), dbSNP rs772226663, ClinGen allele CA350688949.

ClinVar aggregate classification (germline): Uncertain significance (1 of 4 stars; one submission).

Submission:

Labcorp Genetics (formerly Invitae), Labcorp
Classification: Uncertain significance. Last evaluated: 2021-10-06. Review status: criteria provided, single submitter. Criteria: Invitae Variant Classification Sherloc (09022015). Collection method: clinical testing. Allele origin: germline.
Comment: In summary, the available evidence is currently insufficient to determine the role of this variant in disease. Therefore, it has been classified as a Variant of Uncertain Significance. Algorithms developed to predict the effect of missense changes on protein structure and function are either unavailable or do not agree on the potential impact of this missense change (SIFT: "Tolerated"; PolyPhen-2: "Possibly Damaging"; Align-GVGD: "Class C0"). This variant has not been reported in the literature in individuals affected with ANKZF1-related conditions. This variant is not present in population databases (ExAC no frequency). This sequence change replaces isoleucine with methionine at codon 682 of the ANKZF1 protein (p.Ile682Met). The isoleucine residue is weakly conserved and there is a small physicochemical difference between isoleucine and methionine.